The following is an entry in ClinVar:

NM_138690.3(GRIN3B):c.2114A>G (p.Tyr705Cys)

Gene: GRIN3B (glutamate ionotropic receptor NMDA type subunit 3B; plus strand). Cytogenetic location: 19p13.3.
Variant type: single nucleotide variant.
Coding change: c.2114A>G on transcript NM_138690.3 (MANE Select); coding-DNA position 2114, A replaced by G.
Protein change: p.Tyr705Cys; replaces tyrosine 705 with cysteine.
Molecular consequence: missense variant.
Genome position (GRCh38, 1-based): chr19:1,007,689, A>G. VCF-style: chr19-1007689-A-G. GRCh37 (hg19) VCF-style: chr19-1007688-A-G.
Other names: short protein forms Y705C.
Identifiers: ClinVar variation 982916 (VCV000982916.1), dbSNP rs747179788, ClinGen allele CA303980742.
Genomic context (GRCh38, chr19:1,007,689, plus strand): 5'-TGCACCACCCGGCGCAGGGCTTCCGCTTCGGCACCGTGTGGGAGAGCAGCGCCGAGGCGT[A>G]CATCAAGAAGAGCTTCCCCGACATGCACGCACACATGCGGCGCCACAGCGCGCCCACCAC-3'
Protein context (NP_619635.1, residues 695-715): GTVWESSAEA[Tyr705Cys]IKKSFPDMHA

ClinVar aggregate classification (germline): Uncertain significance (1 of 4 stars; one submission).

Conditions:
Neurodevelopmental disorder. Identifiers: MedGen C1535926, MeSH D065886, MONDO:0700092.

Allele frequency attached by ClinVar (database versions not stated): TOPMed 0.00001 and 0.00002.
gnomAD v4.1: 11 of 1,537,428 alleles (0.00072%); highest among the groups gnomAD compares: Non-Finnish European, 0.00087%; no homozygotes.

Submission:

Institute of Human Genetics, University of Leipzig Medical Center
Classification: Uncertain significance for Neurodevelopmental disorder. Last evaluated: 2019-01-01. Review status: criteria provided, single submitter. Criteria: ACMG Guidelines, 2015. Collection method: clinical testing. Allele origin: unknown. Affected: yes.
Comment: This variant was identified as compound heterozygous.